The following is an entry in ClinVar:

NM_033120.4(NKD2):c.1146C>T (p.His382=)

Gene: NKD2 (NKD inhibitor of Wnt signaling pathway 2; plus strand). Cytogenetic location: 5p15.33.
Variant type: single nucleotide variant.
Coding change: c.1146C>T on transcript NM_033120.4 (MANE Select); coding-DNA position 1146, C replaced by T.
Protein change: p.His382=; no amino-acid change (histidine 382 retained).
Molecular consequence: synonymous variant. On other transcripts: 3 prime UTR variant (1).
Genome position (GRCh38, 1-based): chr5:1,038,163, C>T. VCF-style: chr5-1038163-C-T. GRCh37 (hg19) VCF-style: chr5-1038278-C-T.
Other names: c.*389C>T (NM_001271082.2).
Identifiers: ClinVar variation 2655264 (VCV002655264.24), dbSNP rs200848747, ClinGen allele CA3180759.
Genomic context (GRCh38, chr5:1,038,163, plus strand): 5'-GCCCCAGGCCCCTCAGGACGGCCACCACCTCCCGCAGCCCCCACCGCCACCCTACGGCCA[C>T]AAGCGGTACCGCCAAAAGGGCAGGGAGGGCCACTCGCCACTCAAGGCCCCACACGCTCAG-3'
Protein context (NP_149111.1, residues 372-392): LPQPPPPPYG[His382=]KRYRQKGREG

ClinVar aggregate classification (germline): Likely benign (1 of 4 stars; one submission).

Allele frequency attached by ClinVar (database versions not stated): TOPMed 0.00089; gnomAD 0.00090; 1000 Genomes Project 30x 0.00094; 1000 Genomes Project 0.00100; ESP Exome Variant Server 0.00114; ExAC 0.00121.
gnomAD v4.1: 2,546 of 1,585,962 alleles (0.16%); highest among the groups gnomAD compares: Non-Finnish European, 0.21%; 6 homozygotes.

Submission:

CeGaT Center for Human Genetics Tuebingen
Classification: Likely benign. Last evaluated: 2023-01-01. Review status: criteria provided, single submitter. Criteria: CeGaT Center For Human Genetics Tuebingen Variant Classification Criteria Version 2. Collection method: clinical testing. Allele origin: germline. Affected: yes. Observed: 1 variant allele.
Comment: NKD2: BP4, BP7